The following is an entry in ClinVar:

NM_004982.4(KCNJ8):c.701C>T (p.Thr234Ile)

Genes: KCNJ8-AS1 (KCNJ8 antisense RNA 1; plus strand), KCNJ8 (potassium inwardly rectifying channel subfamily J member 8; minus strand). Cytogenetic location: 12p12.1.
Variant type: single nucleotide variant.
Coding change: c.701C>T on transcript NM_004982.4 (MANE Select); coding-DNA position 701, C replaced by T.
Protein change: p.Thr234Ile; replaces threonine 234 with isoleucine.
Molecular consequence: missense variant.
Genome position (GRCh38, 1-based): chr12:21,766,297, G>A on the plus strand (C>T on the coding strand, the complement: KCNJ8 is on the minus strand). VCF-style: chr12-21766297-G-A. GRCh37 (hg19) VCF-style: chr12-21919231-G-A.
Other names: c.701C>T (NM_004982.2); short protein forms T234I.
Identifiers: ClinVar variation 1037883 (VCV001037883.9), dbSNP rs369660507, ClinGen allele CA6480660.
Genomic context (GRCh38, chr12:21,766,297, plus strand): 5'-ATTGGGTTATCAACAGGAATGTCCAGTTGGTGAATAGGAACCACCTCCCCTTCAGGTGTA[G>A]TTGTTTTCTTGACCACCTGGATGCGCACAGAGGCACTAATGATCATGCTTTTCCTCAGGT-3'
Protein context (NP_004973.1, residues 224-244): SVRIQVVKKT[Thr234Ile]TPEGEVVPIH

ClinVar aggregate classification (germline): Uncertain significance. Review status: criteria provided, multiple submitters, no conflicts (2 of 4 stars). 2 submissions from 2 submitters: Uncertain significance (2). Last evaluated 2024-07-24.

Conditions:
Brugada syndrome. Also called: Sudden unexpected nocturnal death syndrome; Sudden unexplained nocturnal death syndrome; Sudden Unexplained Death Syndrome; Sudden Unexplained Nocturnal Death Syndrome (SUNDS). Identifiers: Orphanet 130, MedGen C1142166, MONDO:0015263.

Allele frequency attached by ClinVar (database versions not stated): gnomAD exomes below 0.00001; ExAC 0.00001; gnomAD 0.00001; TOPMed 0.00003; ESP Exome Variant Server 0.00008.
gnomAD v4.1: 1 of 1,614,174 alleles (0.000062%); highest among the groups gnomAD compares: African/African-American, 0.0013%; no homozygotes.

Submissions (2):

Labcorp Genetics (formerly Invitae), Labcorp
Classification: Uncertain significance for Brugada syndrome. Last evaluated: 2024-07-24. Review status: criteria provided, single submitter. Criteria: Invitae Variant Classification Sherloc (09022015). Collection method: clinical testing. Allele origin: germline.
Comment: This sequence change replaces threonine, which is neutral and polar, with isoleucine, which is neutral and non-polar, at codon 234 of the KCNJ8 protein (p.Thr234Ile). This variant is not present in population databases (gnomAD no frequency). This variant has not been reported in the literature in individuals affected with KCNJ8-related conditions. ClinVar contains an entry for this variant (Variation ID: 1037883). Advanced modeling of protein sequence and biophysical properties (such as structural, functional, and spatial information, amino acid conservation, physicochemical variation, residue mobility, and thermodynamic stability) performed at Invitae indicates that this missense variant is not expected to disrupt KCNJ8 protein function with a negative predictive value of 80%. In summary, the available evidence is currently insufficient to determine the role of this variant in disease. Therefore, it has been classified as a Variant of Uncertain Significance.

GeneDx
Classification: Uncertain significance. Last evaluated: 2023-05-18. Review status: criteria provided, single submitter. Criteria: GeneDx Variant Classification Process June 2021. Collection method: clinical testing. Allele origin: germline. Affected: yes.
Comment: Has not been previously published as pathogenic or benign to our knowledge; Not observed at significant frequency in large population cohorts (gnomAD); In silico analysis supports that this missense variant does not alter protein structure/function; Variants in candidate genes are classified as variants of uncertain significance in accordance with ACMG guidelines (Richards et al., 2015)